The following is an entry in ClinVar:

NM_000059.4(BRCA2):c.887del (p.Tyr296fs)

Gene: BRCA2 (BRCA2 DNA repair associated; plus strand). Cytogenetic location: 13q13.1.
Variant type: Deletion.
Coding change: c.887del on transcript NM_000059.4 (MANE Select); coding-DNA position 887, one base deleted (A; older notation c.887delA).
Protein change: p.Tyr296fs; shifts the reading frame from tyrosine 296.
Molecular consequence: frameshift variant.
Genome position (GRCh38, 1-based): chr13:32,332,365, A deleted. VCF-style (leftmost placement, unchanged base first): chr13-32332364-TA-T. GRCh37 (hg19) VCF-style: chr13-32906501-TA-T.
Other names: c.887delA, p.Tyr296Leufs (NM_001406719.1, NM_001406720.1, NM_001406721.1); short protein forms Y296fs.
Identifiers: ClinVar variation 1764960 (VCV001764960.2), dbSNP rs2548519025, ClinGen allele CA2580087148.

ClinVar aggregate classification (germline): Pathogenic (1 of 4 stars; one submission).

Conditions:
Hereditary cancer-predisposing syndrome. Also called: Neoplastic Syndromes, Hereditary; Tumor predisposition; Hereditary Cancer Syndrome; Hereditary neoplastic syndrome. Identifiers: Orphanet 140162, MedGen C0027672, MeSH D009386, MONDO:0015356.

Submission:

Ambry Genetics
Classification: Pathogenic for Hereditary cancer-predisposing syndrome. Last evaluated: 2019-11-21. Review status: criteria provided, single submitter. Criteria: Ambry Variant Classification Scheme 2023. Collection method: clinical testing. Allele origin: germline.
Comment: The c.887delA pathogenic mutation, located in coding exon 9 of the BRCA2 gene, results from a deletion of one nucleotide at nucleotide position 887, causing a translational frameshift with a predicted alternate stop codon (p.Y296Lfs*5). This alteration is expected to result in loss of function by premature protein truncation or nonsense-mediated mRNA decay. As such, this alteration is interpreted as a disease-causing mutation.